The following is an entry in ClinVar:

ClinVar aggregate classification (germline): Uncertain significance. Review status: criteria provided, multiple submitters, no conflicts (2 of 4 stars). 3 submissions from 3 submitters: Uncertain significance (3). Last evaluated 2025-03-26.

Conditions:
Inborn genetic diseases. Identifiers: MedGen C0950123, MeSH D030342.
Asphyxiating thoracic dystrophy 5 (SRTD5). Also called: SHORT-RIB THORACIC DYSPLASIA 5 WITHOUT POLYDACTYLY; SHORT-RIB THORACIC DYSPLASIA 5 WITH OR WITHOUT POLYDACTYLY. Identifiers: Orphanet 474, MedGen C3280598, MONDO:0013717, OMIM 614376.
Nephronophthisis 13 (NPHP13). Identifiers: Orphanet 655, MedGen C3280612, MONDO:0013718, OMIM 614377.
Cranioectodermal dysplasia 4 (CED4). Identifiers: Orphanet 1515, MedGen C3280616, MONDO:0013719, OMIM 614378.
Senior-Loken syndrome 8 (SLSN8). Identifiers: Orphanet 3156, MedGen C4225376, MONDO:0014579, OMIM 616307.
Spermatogenic failure 72 (SPGF72). Identifiers: MedGen C5676980, MONDO:0030809, OMIM 619867.

Allele frequency attached by ClinVar (database versions not stated): ESP Exome Variant Server 0.00016.
gnomAD v4.1: 61 of 1,611,516 alleles (0.0038%); highest among the groups gnomAD compares: Admixed American, 0.005%; no homozygotes.

Submissions (3):

Ambry Genetics
Classification: Uncertain significance for Inborn genetic diseases. Last evaluated: 2025-03-26. Review status: criteria provided, single submitter. Criteria: Ambry Variant Classification Scheme 2023. Collection method: clinical testing. Allele origin: germline.

Labcorp Genetics (formerly Invitae), Labcorp
Classification: Uncertain significance for Senior-Loken syndrome 8; Asphyxiating thoracic dystrophy 5. Last evaluated: 2024-11-11. Review status: criteria provided, single submitter. Criteria: Invitae Variant Classification Sherloc (09022015). Collection method: clinical testing. Allele origin: germline.
Comment: This sequence change replaces arginine, which is basic and polar, with glycine, which is neutral and non-polar, at codon 1337 of the WDR19 protein (p.Arg1337Gly). This variant is present in population databases (rs367721770, gnomAD 0.007%). This variant has not been reported in the literature in individuals affected with WDR19-related conditions. ClinVar contains an entry for this variant (Variation ID: 1437041). Invitae Evidence Modeling of protein sequence and biophysical properties (such as structural, functional, and spatial information, amino acid conservation, physicochemical variation, residue mobility, and thermodynamic stability) indicates that this missense variant is not expected to disrupt WDR19 protein function with a negative predictive value of 80%. In summary, the available evidence is currently insufficient to determine the role of this variant in disease. Therefore, it has been classified as a Variant of Uncertain Significance.

Fulgent Genetics
Classification: Uncertain significance for Asphyxiating thoracic dystrophy 5; Nephronophthisis 13; Cranioectodermal dysplasia 4; Senior-Loken syndrome 8; Spermatogenic failure 72. Last evaluated: 2023-12-28. Review status: criteria provided, single submitter. Criteria: ACMG Guidelines, 2015. Collection method: clinical testing. Allele origin: germline.

NM_025132.4(WDR19):c.4009C>G (p.Arg1337Gly)

Gene: WDR19 (WD repeat domain 19; plus strand). Cytogenetic location: 4p14.
Variant type: single nucleotide variant.
Coding change: c.4009C>G on transcript NM_025132.4 (MANE Select); coding-DNA position 4009, C replaced by G.
Protein change: p.Arg1337Gly; replaces arginine 1337 with glycine.
Molecular consequence: missense variant.
Genome position (GRCh38, 1-based): chr4:39,278,630, C>G. VCF-style: chr4-39278630-C-G. GRCh37 (hg19) VCF-style: chr4-39280250-C-G.
Other names: c.3529C>G, p.Arg1177Gly (NM_001317924.2); c.4009C>G (NM_025132.3); short protein forms R1177G, R1337G.
Identifiers: ClinVar variation 1437041 (VCV001437041.6), dbSNP rs367721770, ClinGen allele CA2892551.